The following is an entry in ClinVar:

NM_000111.3(SLC26A3):c.2169G>C (p.Lys723Asn)

Gene: SLC26A3 (solute carrier family 26 member 3; minus strand). Cytogenetic location: 7q22.3.
Variant type: single nucleotide variant.
Coding change: c.2169G>C on transcript NM_000111.3 (MANE Select); coding-DNA position 2169, G replaced by C.
Protein change: p.Lys723Asn; replaces lysine 723 with asparagine.
Molecular consequence: missense variant.
Genome position (GRCh38, 1-based): chr7:107,767,802, C>G on the plus strand (G>C on the coding strand, the complement: SLC26A3 is on the minus strand). VCF-style: chr7-107767802-C-G. GRCh37 (hg19) VCF-style: chr7-107408247-C-G.
Other names: short protein forms K723N.
Identifiers: ClinVar variation 718251 (VCV000718251.19), dbSNP rs142908255, ClinGen allele CA4433563.
Genomic context (GRCh38, chr7:107,767,802, plus strand): 5'-TGAAAGTCACCAAAGAGCTGATACCTGACTGGGATTAAACTTTGAAGTACTGTAATCTTT[C>G]TTCATCAAAATATGCAAAACAGCATCATGGATTGTTAAGAAAAATATTGAGCTTTTCACT-3'
Protein context (NP_000102.1, residues 713-733): IHDAVLHILM[Lys723Asn]KDYSTSKFNP

ClinVar aggregate classification (germline): Likely benign. Review status: criteria provided, multiple submitters, no conflicts (2 of 4 stars). 6 submissions from 6 submitters: Likely benign (5). 1 of the submissions does not count toward it. Last evaluated 2026-02-01.

Conditions:
Congenital secretory diarrhea, chloride type (DIAR1). Also called: CHLORIDE DIARRHEA, CONGENITAL, FINNISH TYPE; DIARRHEA 1, SECRETORY CHLORIDE, CONGENITAL; CHLORIDORRHEA, CONGENITAL. Identifiers: Orphanet 53689, MedGen C0267662, MONDO:0008964, OMIM 214700.
SLC26A3-related disorder. Also called: SLC26A3-related condition.

Allele frequency attached by ClinVar (database versions not stated): 1000 Genomes Project 30x 0.00047; TOPMed 0.00059; 1000 Genomes Project 0.00060; ESP Exome Variant Server 0.00062.
gnomAD v4.1: 1,009 of 1,613,772 alleles (0.063%); highest among the groups gnomAD compares: Middle Eastern, 1%; 4 homozygotes.

Submissions (6):

Labcorp Genetics (formerly Invitae), Labcorp
Classification: Likely benign. Last evaluated: 2026-02-01. Review status: criteria provided, single submitter. Criteria: Invitae Variant Classification Sherloc (09022015). Collection method: clinical testing. Allele origin: germline.

Blueprint Genetics
Classification: Likely benign. Last evaluated: 2024-11-26. Review status: criteria provided, single submitter. Criteria: ACMG Guidelines, 2015. Collection method: clinical testing. Allele origin: germline.

GeneDx
Classification: Likely benign. Last evaluated: 2020-06-15. Review status: criteria provided, single submitter. Criteria: GeneDx Variant Classification Process June 2021. Collection method: clinical testing. Allele origin: germline. Affected: yes.

Illumina Laboratory Services, Illumina
Classification: Likely benign for Congenital secretory diarrhea, chloride type. Last evaluated: 2017-04-27. Review status: criteria provided, single submitter. Criteria: ICSL Variant Classification Criteria 13 December 2019. Collection method: clinical testing. Allele origin: germline.
Comment: This variant was observed as part of a predisposition screen in an ostensibly healthy population. A literature search was performed for the gene, cDNA change, and amino acid change (where applicable). No publications were found based on this search. Allele frequency data from public databases allowed determination this variant is unlikely to cause disease. Therefore, this variant is classified as likely benign.

Breakthrough Genomics
Classification: Likely benign. Review status: criteria provided, single submitter. Criteria: ACMG Guidelines, 2015. Collection method: not provided. Allele origin: germline. Inheritance: Autosomal recessive inheritance. Affected: yes.

PreventionGenetics, part of Exact Sciences
Classification: Likely benign for SLC26A3-related condition. Last evaluated: 2020-10-12. Review status: no assertion criteria provided. Collection method: clinical testing. Allele origin: germline. Not counted in ClinVar's aggregate classification.
Comment: This variant is classified as likely benign based on ACMG/AMP sequence variant interpretation guidelines (Richards et al. 2015 PMID: 25741868, with internal and published modifications).